The following is an entry in ClinVar:

NM_138477.4(CDAN1):c.3316G>A (p.Glu1106Lys)

Gene: CDAN1 (codanin 1; minus strand). Cytogenetic location: 15q15.2.
Variant type: single nucleotide variant.
Coding change: c.3316G>A on transcript NM_138477.4 (MANE Select); coding-DNA position 3316, G replaced by A.
Protein change: p.Glu1106Lys; replaces glutamic acid 1106 with lysine.
Molecular consequence: missense variant.
Genome position (GRCh38, 1-based): chr15:42,725,623, C>T on the plus strand (G>A on the coding strand, the complement: CDAN1 is on the minus strand). VCF-style: chr15-42725623-C-T. GRCh37 (hg19) VCF-style: chr15-43017821-C-T.
Other names: short protein forms E1106K.
Identifiers: ClinVar variation 1330587 (VCV001330587.10), dbSNP rs551196529, ClinGen allele CA7515177.

ClinVar aggregate classification (germline): Uncertain significance. Review status: criteria provided, multiple submitters, no conflicts (2 of 4 stars). 2 submissions from 2 submitters: Uncertain significance (2). Last evaluated 2023-02-10.

Conditions:
Anemia, congenital dyserythropoietic, type 1a (CDAN1A). Also called: DYSERYTHROPOIETIC ANEMIA, CONGENITAL, TYPE Ia; CDAN1-Related Congenital Dyserythropoietic Anemia. Identifiers: MedGen C5574667, MONDO:0009135, OMIM 224120.

Allele frequency attached by ClinVar (database versions not stated): gnomAD exomes 0.00001; ExAC 0.00002; gnomAD 0.00006 and 0.00008; TOPMed 0.00006; 1000 Genomes Project 30x 0.00016; 1000 Genomes Project 0.00020.
gnomAD v4.1: 23 of 1,614,138 alleles (0.0014%); highest among the groups gnomAD compares: African/African-American, 0.019%; no homozygotes.

Submissions (2):

Labcorp Genetics (formerly Invitae), Labcorp
Classification: Uncertain significance. Last evaluated: 2023-02-10. Review status: criteria provided, single submitter. Criteria: Invitae Variant Classification Sherloc (09022015). Collection method: clinical testing. Allele origin: germline.
Comment: This sequence change replaces glutamic acid, which is acidic and polar, with lysine, which is basic and polar, at codon 1106 of the CDAN1 protein (p.Glu1106Lys). This variant is present in population databases (rs551196529, gnomAD 0.01%). This variant has not been reported in the literature in individuals affected with CDAN1-related conditions. ClinVar contains an entry for this variant (Variation ID: 1330587). Algorithms developed to predict the effect of missense changes on protein structure and function (SIFT, PolyPhen-2, Align-GVGD) all suggest that this variant is likely to be tolerated. In summary, the available evidence is currently insufficient to determine the role of this variant in disease. Therefore, it has been classified as a Variant of Uncertain Significance.

ARUP Laboratories, Molecular Genetics and Genomics, ARUP Laboratories
Classification: Uncertain significance for Anemia, congenital dyserythropoietic, type 1a. Last evaluated: 2021-04-20. Review status: criteria provided, single submitter. Criteria: ARUP Molecular Germline Variant Investigation Process 2021. Collection method: clinical testing. Allele origin: germline.